The following is an entry in ClinVar:

ClinVar aggregate classification (germline): Conflicting classifications of pathogenicity. Review status: criteria provided, conflicting classifications (1 of 4 stars). 5 submissions from 5 submitters: Likely pathogenic (2); Uncertain significance (3). Last evaluated 2025-11-25.

Conditions:
Thyroid dyshormonogenesis 6 (TDH6). Also called: HYPOTHYROIDISM, CONGENITAL, DUE TO DYSHORMONOGENESIS, 6; THYROID HORMONOGENESIS, GENETIC DEFECT IN, 6; Genetic transient congenital hypothyroidism. Identifiers: Orphanet 226316, Orphanet 95716, MedGen C1846632, MONDO:0011792, OMIM 607200.

Allele frequency attached by ClinVar (database versions not stated): gnomAD 0.00004 and 0.00005; ExAC 0.00006; gnomAD exomes 0.00006 and 0.00011; TOPMed 0.00012; ESP Exome Variant Server 0.00015.
gnomAD v4.1: 172 of 1,614,056 alleles (0.011%); highest among the groups gnomAD compares: East Asian, 0.031%; no homozygotes.

Submissions (5):

Labcorp Genetics (formerly Invitae), Labcorp
Classification: Uncertain significance. Last evaluated: 2025-11-25. Review status: criteria provided, single submitter. Criteria: Invitae Variant Classification Sherloc (09022015). Collection method: clinical testing. Allele origin: germline.
Comment: This sequence change replaces arginine, which is basic and polar, with histidine, which is basic and polar, at codon 1211 of the DUOX2 protein (p.Arg1211His). This variant is present in population databases (rs141763307, gnomAD 0.04%). This missense change has been observed in individual(s) with congenital hypothyroidism (PMID: 25616291, 30022773, 30154845, 33490161, 34564849, 38757580). In at least one individual the data is consistent with being in trans (on the opposite chromosome) from a pathogenic variant. ClinVar contains an entry for this variant (Variation ID: 1303181). Invitae Evidence Modeling of protein sequence and biophysical properties (such as structural, functional, and spatial information, amino acid conservation, physicochemical variation, residue mobility, and thermodynamic stability) indicates that this missense variant is expected to disrupt DUOX2 protein function with a positive predictive value of 80%. Experimental studies are conflicting or provide insufficient evidence to determine the effect of this variant on DUOX2 function (PMID: 34564849, 38757580). In summary, the available evidence is currently insufficient to determine the role of this variant in disease. Therefore, it has been classified as a Variant of Uncertain Significance.

First Genomix Gene Laboratory, Genetic Diagnostics Department
Classification: Likely pathogenic for Thyroid dyshormonogenesis 6. Last evaluated: 2025-05-29. Review status: criteria provided, single submitter. Criteria: ACMG Guidelines, 2015. Collection method: clinical testing. Allele origin: germline. Inheritance: Autosomal recessive inheritance. Affected: no. Observed: 1 variant allele.

GeneDx
Classification: Uncertain significance. Last evaluated: 2024-06-14. Review status: criteria provided, single submitter. Criteria: GeneDx Variant Classification Process June 2021. Collection method: clinical testing. Allele origin: germline. Affected: yes.
Comment: Reported with a second DUOX2 variant in multiple individuals with congenital hypothyroidism or thyroid dyshormonogenesis (PMID: 34539567, 34564849, 30154845, 33490161); In silico analysis supports that this missense variant has a deleterious effect on protein structure/function; This variant is associated with the following publications: (PMID: 25616291, 30022773, 30154845, 30420871, 34564849, 31356790, 33490161, 34539567, 38757580, Liu2023[Preprint])

Fulgent Genetics
Classification: Uncertain significance for Thyroid dyshormonogenesis 6. Last evaluated: 2021-07-28. Review status: criteria provided, single submitter. Criteria: ACMG Guidelines, 2015. Collection method: clinical testing. Allele origin: unknown.

Juno Genomics, Hangzhou Juno Genomics, Inc
Classification: Likely pathogenic for Thyroid dyshormonogenesis 6. Review status: criteria provided, single submitter. Criteria: ACMG Guidelines, 2015. Collection method: clinical testing. Allele origin: germline.
Comment: Absent from controls (or at extremely low frequency if recessive) in Genome Aggregation Database.;For recessive disorders, detected in trans with a pathogenic variant.;Patient's phenotype or family history is highly specific for a disease with a single genetic etiology.

Literature cited by the submitters: PubMed 25616291 (cited by Labcorp Genetics (formerly Invitae), Labcorp); PubMed 30022773 (cited by Labcorp Genetics (formerly Invitae), Labcorp); PubMed 30154845 (cited by Labcorp Genetics (formerly Invitae), Labcorp); PubMed 33490161 (cited by Labcorp Genetics (formerly Invitae), Labcorp); PubMed 34564849 (cited by Labcorp Genetics (formerly Invitae), Labcorp); PubMed 38757580 (cited by Labcorp Genetics (formerly Invitae), Labcorp).

NM_001363711.2(DUOX2):c.3632G>A (p.Arg1211His)

Gene: DUOX2 (dual oxidase 2; minus strand). Cytogenetic location: 15q21.1.
Variant type: single nucleotide variant.
Coding change: c.3632G>A on transcript NM_001363711.2 (MANE Select); coding-DNA position 3632, G replaced by A.
Protein change: p.Arg1211His; replaces arginine 1211 with histidine.
Molecular consequence: missense variant.
Genome position (GRCh38, 1-based): chr15:45,097,675, C>T on the plus strand (G>A on the coding strand, the complement: DUOX2 is on the minus strand). VCF-style: chr15-45097675-C-T. GRCh37 (hg19) VCF-style: chr15-45389873-C-T.
Other names: c.3632G>A, p.Arg1211His (NM_014080.5); short protein forms R1211H.
Identifiers: ClinVar variation 1303181 (VCV001303181.16), dbSNP rs141763307, ClinGen allele CA7537790.